The following is an entry in ClinVar:

ClinVar aggregate classification (germline): Pathogenic (1 of 4 stars; one submission).

Conditions:
Familial adenomatous polyposis 1 (FAP1). Also called: FAMILIAL ADENOMATOUS POLYPOSIS 1, ATTENUATED; POLYPOSIS, ADENOMATOUS INTESTINAL. Identifiers: MedGen C2713442, MONDO:0021056, OMIM 175100. Disease mechanism: loss of function.

Submission:

Labcorp Genetics (formerly Invitae), Labcorp
Classification: Pathogenic for Familial adenomatous polyposis 1. Last evaluated: 2023-10-03. Review status: criteria provided, single submitter. Criteria: Invitae Variant Classification Sherloc (09022015). Collection method: clinical testing. Allele origin: germline.
Comment: This sequence change falls in intron 5 of the APC gene. It does not directly change the encoded amino acid sequence of the APC protein. RNA analysis indicates that this variant induces altered splicing and may result in an absent or disrupted protein product. This variant is not present in population databases (gnomAD no frequency). This variant has been observed in individual(s) with polyposis and colon cancer (Invitae). ClinVar contains an entry for this variant (Variation ID: 1372526). Variants that disrupt the consensus splice site are a relatively common cause of aberrant splicing (PMID: 17576681, 9536098). Studies have shown that this variant results in skipping of exon 5 and introduces a premature termination codon (Invitae). The resulting mRNA is expected to undergo nonsense-mediated decay. This variant disrupts the c.531+3A nucleotide in the APC gene. Other variant(s) that disrupt this nucleotide have been determined to be pathogenic (PMID: 9375853, 23159591; Invitae). This suggests that this nucleotide is clinically significant, and that variants that disrupt this position are likely to be disease-causing. For these reasons, this variant has been classified as Pathogenic.

Literature cited by the submitters: PubMed 17576681; PubMed 9536098; PubMed 9375853; PubMed 23159591.

NM_000038.6(APC):c.531+3A>T

Gene: APC (APC regulator of Wnt signaling pathway; plus strand). Cytogenetic location: 5q22.2.
Variant type: single nucleotide variant.
Coding change: c.531+3A>T on transcript NM_000038.6 (MANE Select); 3 bases into the intron after coding-DNA position 531, A replaced by T.
Molecular consequence: intron variant.
Genome position (GRCh38, 1-based): chr5:112,775,740, A>T. VCF-style: chr5-112775740-A-T. GRCh37 (hg19) VCF-style: chr5-112111437-A-T.
Other names: c.531+3A>T (NM_001354895.2, NM_001127510.3, NM_001354896.2 and 2 more transcripts); c.561+3A>T (NM_001354897.2, NM_001354902.2, NM_001127511.3); c.456+3A>T (NM_001354898.2, NM_001354904.2); c.-505+3A>T (NM_001354906.2); c.354+3A>T (NM_001354900.2, NM_001354901.2, NM_001354905.2).
Identifiers: ClinVar variation 1372526 (VCV001372526.6), dbSNP rs1114167550, ClinGen allele CA2573138630.
Genomic context (GRCh38, chr5:112,775,740, plus strand): 5'-TTACGCTCAACTTCAGAATCTCACTAAAAGAATAGATAGTCTTCCTTTAACTGAAAATGT[A>T]AGTAACTTGGCAGTACAACTTATTTGAAACTTTAATAACTTGATATTTTAAAGTACCTAG-3'